The following is an entry in ClinVar:

ClinVar aggregate classification (germline): Benign/Likely benign. Review status: criteria provided, multiple submitters, no conflicts (2 of 4 stars). 9 submissions from 9 submitters: Benign (1); Likely benign (7). 1 of the submissions does not count toward it. Last evaluated 2025-12-29.

Conditions:
CDKN2A-related disorder. Also called: CDKN2A-related condition.
Hereditary cancer-predisposing syndrome. Also called: Tumor predisposition; Neoplastic Syndromes, Hereditary; Hereditary neoplastic syndrome; Hereditary Cancer Syndrome. Identifiers: Orphanet 140162, MedGen C0027672, MeSH D009386, MONDO:0015356.
Familial melanoma. Also called: Hereditary melanoma; Hereditary cutaneous melanoma. Identifiers: Orphanet 618, MedGen C1512419, MONDO:0018961.
Melanoma-pancreatic cancer syndrome. Identifiers: Orphanet 404560, MedGen C1838547, MONDO:0011713, OMIM 606719. Disease mechanism: loss of function.

Allele frequency attached by ClinVar (database versions not stated): TOPMed 0.00002; gnomAD 0.00003; gnomAD exomes 0.00003 and 0.00005; ExAC 0.00004.
gnomAD v4.1: 77 of 1,613,900 alleles (0.0048%); highest among the groups gnomAD compares: Non-Finnish European, 0.0065%; no homozygotes.

Submissions (9):

Center for Genomic Medicine, Rigshospitalet, Copenhagen University Hospital
Classification: Likely benign. Last evaluated: 2025-12-29. Review status: criteria provided, single submitter. Criteria: ACMG Guidelines, 2015. Collection method: clinical testing. Allele origin: germline.

Labcorp Genetics (formerly Invitae), Labcorp
Classification: Likely benign for Familial melanoma. Last evaluated: 2025-12-28. Review status: criteria provided, single submitter. Criteria: Invitae Variant Classification Sherloc (09022015). Collection method: clinical testing. Allele origin: germline.

Myriad Genetics, Inc.
Classification: Benign for Melanoma-pancreatic cancer syndrome. Last evaluated: 2025-08-14. Review status: criteria provided, single submitter. Criteria: Myriad Autosomal Dominant, Autosomal Recessive and X-Linked Classification Criteria (2023). Collection method: clinical testing. Allele origin: unknown.
Comment: This variant is considered benign. This variant is a silent/synonymous amino acid change and it is not expected to impact splicing.

Sema4
Classification: Likely benign for Hereditary cancer-predisposing syndrome. Last evaluated: 2021-12-08. Review status: criteria provided, single submitter. Criteria: Sema4 Curation Guidelines. Collection method: curation. Allele origin: germline.

GeneDx
Classification: Likely benign. Last evaluated: 2021-01-22. Review status: criteria provided, single submitter. Criteria: GeneDx Variant Classification Process June 2021. Collection method: clinical testing. Allele origin: germline. Affected: yes.

Women's Health and Genetics/Laboratory Corporation of America, LabCorp
Classification: Likely benign. Last evaluated: 2020-01-10. Review status: criteria provided, single submitter. Criteria: LabCorp Variant Classification Summary - May 2015. Collection method: clinical testing. Allele origin: germline.

Color Diagnostics, LLC DBA Color Health
Classification: Likely benign for Hereditary cancer-predisposing syndrome. Last evaluated: 2016-05-31. Review status: criteria provided, single submitter. Criteria: ACMG Guidelines, 2015. Collection method: clinical testing. Allele origin: germline.

Ambry Genetics
Classification: Likely benign for Hereditary cancer-predisposing syndrome. Last evaluated: 2014-08-07. Review status: criteria provided, single submitter. Criteria: Ambry Variant Classification Scheme 2023. Collection method: clinical testing. Allele origin: germline.

PreventionGenetics, part of Exact Sciences
Classification: Likely benign for CDKN2A-related condition. Last evaluated: 2022-02-03. Review status: no assertion criteria provided. Collection method: clinical testing. Allele origin: germline. Not counted in ClinVar's aggregate classification.
Comment: This variant is classified as likely benign based on ACMG/AMP sequence variant interpretation guidelines (Richards et al. 2015 PMID: 25741868, with internal and published modifications).

Literature cited by the submitters: PubMed 27756164 (cited by Women's Health and Genetics/Laboratory Corporation of America, LabCorp); PubMed 27960642 (cited by Women's Health and Genetics/Laboratory Corporation of America, LabCorp); PubMed 28765326 (cited by Women's Health and Genetics/Laboratory Corporation of America, LabCorp); PubMed 9166859 (cited by Women's Health and Genetics/Laboratory Corporation of America, LabCorp); PubMed 16818274 (cited by Women's Health and Genetics/Laboratory Corporation of America, LabCorp); PubMed 18519632 (cited by Women's Health and Genetics/Laboratory Corporation of America, LabCorp); PubMed 7718873 (cited by Women's Health and Genetics/Laboratory Corporation of America, LabCorp).

NM_000077.5(CDKN2A):c.147C>A (p.Ile49=)

Gene: CDKN2A (cyclin dependent kinase inhibitor 2A; minus strand). Cytogenetic location: 9p21.3.
Variant type: single nucleotide variant.
Coding change: c.147C>A on transcript NM_000077.5; coding-DNA position 147, C replaced by A.
Protein change: p.Ile49=; no amino-acid change (isoleucine 49 retained).
Molecular consequence: synonymous variant (on NM_000077.6). On other transcripts: intron variant (2).
Genome position (GRCh38, 1-based): chr9:21,974,681, G>T on the plus strand (C>A on the coding strand, the complement: CDKN2A is on the minus strand). VCF-style: chr9-21974681-G-T. GRCh37 (hg19) VCF-style: chr9-21974680-G-T.
Other names: c.147C>A, p.Ile49= (NM_000077.6, NM_001195132.2, NM_058197.5); c.-3-3473C>A (NM_001363763.2); c.194-3473C>A (NM_058195.4).
Identifiers: ClinVar variation 184680 (VCV000184680.25), dbSNP rs200738474, ClinGen allele CA189678.